The following is an entry in ClinVar:

NC_012920.1(MT-TG):m.10014G>A

Gene: MT-TG (mitochondrially encoded tRNA glycine; plus strand).
Variant type: single nucleotide variant.
Genome position: chrM-10014-G-A.
Identifiers: ClinVar variation 690098 (VCV000690098.1), dbSNP rs1603222629, ClinGen allele CA913161539.

ClinVar aggregate classification (germline): Uncertain significance (1 of 4 stars; one submission).

Conditions:
MELAS syndrome (MELAS). Also called: Juvenile myopathy, encephalopathy, lactic acidosis, stroke. Identifiers: Orphanet 550, MedGen C0162671, MONDO:0010789, OMIM 540000.

Submission:

Wong Mito Lab, Molecular and Human Genetics, Baylor College of Medicine
Classification: Uncertain significance for MELAS syndrome. Last evaluated: 2019-07-12. Review status: criteria provided, single submitter. Criteria: Modified ACMG Guidelines (Unpublished). Collection method: clinical testing. Allele origin: germline.
Comment: The NC_012920.1:m.10014G>A variant in MT-TG gene is interpreted to be a Unknown Significance variant based on the modified ACMG guidelines (unpublished). This variant meets the following evidence codes reported in the guidelines: BP6, PP3

Literature cited by the submitters: PubMed 31965079.